The following is an entry in ClinVar:

NM_172107.4(KCNQ2):c.1704C>G (p.Ile568Met)

Gene: KCNQ2 (potassium voltage-gated channel subfamily Q member 2; minus strand). Cytogenetic location: 20q13.33.
Variant type: single nucleotide variant.
Coding change: c.1704C>G on transcript NM_172107.4 (MANE Select); coding-DNA position 1704, C replaced by G.
Protein change: p.Ile568Met; replaces isoleucine 568 with methionine.
Molecular consequence: missense variant.
Genome position (GRCh38, 1-based): chr20:63,413,509, G>C on the plus strand (C>G on the coding strand, the complement: KCNQ2 is on the minus strand). VCF-style: chr20-63413509-G-C. GRCh37 (hg19) VCF-style: chr20-62044862-G-C.
Other names: c.1650C>G, p.Ile550Met (NM_001382235.1, NM_172106.3); c.1620C>G, p.Ile540Met (NM_004518.6); c.1611C>G, p.Ile537Met (NM_172108.5); c.1704C>G (NM_172107.2); short protein forms I537M, I540M, I550M, I568M.
Identifiers: ClinVar variation 1696030 (VCV001696030.2), dbSNP rs144909985, ClinGen allele CA409643674.
Genomic context (GRCh38, chr20:63,413,509, plus strand): 5'-CCTGGACTGCAGGCTCTTAATTCGGGACAGCATGTCCAGGTGGCCGGCTGAGTACTGCTC[G>C]ATGACGTCCATCACGTCGTAGGGCCGCAGGCTCTCCTTGAACTTCCGCTTGGACACCAGG-3'
Protein context (NP_742105.1, residues 558-578): SLRPYDVMDV[Ile568Met]EQYSAGHLDM

ClinVar aggregate classification (germline): Uncertain significance. Review status: criteria provided, multiple submitters, no conflicts (2 of 4 stars). 2 submissions from 2 submitters: Uncertain significance (2). Last evaluated 2025-04-22.

Submissions (2):

GeneDx
Classification: Uncertain significance. Last evaluated: 2025-04-22. Review status: criteria provided, single submitter. Criteria: GeneDx Variant Classification Process June 2021. Collection method: clinical testing. Allele origin: germline. Affected: yes.
Comment: Not observed at significant frequency in large population cohorts (gnomAD); In silico analysis supports that this missense variant has a deleterious effect on protein structure/function; Has not been previously published as pathogenic or benign to our knowledge; This substitution is predicted to be within the C-terminal cytoplasmic domain

Women's Health and Genetics/Laboratory Corporation of America, LabCorp
Classification: Uncertain significance. Last evaluated: 2022-05-10. Review status: criteria provided, single submitter. Criteria: LabCorp Variant Classification Summary - May 2015. Collection method: clinical testing. Allele origin: germline.
Comment: Variant summary: KCNQ2 c.1704C>G (p.Ile568Met) results in a conservative amino acid change located in the C-terminal domain (IPR013821) of the encoded protein sequence. Three of five in-silico tools predict a benign effect of the variant on protein function. The variant was absent in 251146 control chromosomes (gnomAD). The available data on variant occurrences in the general population are insufficient to allow any conclusion about variant significance. To our knowledge, no occurrence of c.1704C>G in individuals affected with KCNQ2-Related Disorders and no experimental evidence demonstrating its impact on protein function have been reported. No clinical diagnostic laboratories have submitted clinical-significance assessments for this variant to ClinVar after 2014. Based on the evidence outlined above, the variant was classified as uncertain significance.